The following is an entry in ClinVar:

NM_000747.3(CHRNB1):c.26T>C (p.Leu9Pro)

Genes: CHRNB1 (cholinergic receptor nicotinic beta 1 subunit; plus strand), LOC130060147 (ATAC-STARR-seq lymphoblastoid silent region 8121; plus strand). Cytogenetic location: 17p13.1.
Variant type: single nucleotide variant.
Coding change: c.26T>C on transcript NM_000747.3 (MANE Select); coding-DNA position 26, T replaced by C.
Protein change: p.Leu9Pro; replaces leucine 9 with proline.
Molecular consequence: missense variant.
Genome position (GRCh38, 1-based): chr17:7,445,153, T>C. VCF-style: chr17-7445153-T-C. GRCh37 (hg19) VCF-style: chr17-7348472-T-C.
Other names: short protein forms L9P.
Identifiers: ClinVar variation 1417212 (VCV001417212.7), dbSNP rs1157224283, ClinGen allele CA397786246.
Genomic context (GRCh38, chr17:7,445,153, plus strand): 5'-TCTCTGAGCGAAGTCACTGAGCGAGCCGCCAGGCTATGACCCCAGGGGCTCTGCTGATGC[T>C]GCTGGGGGCGCTGGGGGCGCCGCTCGCCCCAGGTAAGTGTAGGCCCCGAAGGGGCAGTGA-3'
Protein context (NP_000738.2, residues 1-19): MTPGALLM[Leu9Pro]LGALGAPLAP

ClinVar aggregate classification (germline): Uncertain significance. Review status: criteria provided, multiple submitters, no conflicts (2 of 4 stars). 2 submissions from 2 submitters: Uncertain significance (2). Last evaluated 2022-08-23.

Conditions:
Congenital myasthenic syndrome 2A. Also called: Myasthenic syndrome, congenital, 2a, slow-channel. Identifiers: Orphanet 590, MedGen C4225374, MONDO:0014581, OMIM 616313.

Allele frequency attached by ClinVar (database versions not stated): gnomAD exomes below 0.00001; gnomAD 0.00001 and 0.00002; TOPMed 0.00002.

Submissions (2):

Labcorp Genetics (formerly Invitae), Labcorp
Classification: Uncertain significance for Congenital myasthenic syndrome 2A. Last evaluated: 2022-08-23. Review status: criteria provided, single submitter. Criteria: Invitae Variant Classification Sherloc (09022015). Collection method: clinical testing. Allele origin: germline.
Comment: In summary, the available evidence is currently insufficient to determine the role of this variant in disease. Therefore, it has been classified as a Variant of Uncertain Significance. Algorithms developed to predict the effect of missense changes on protein structure and function are either unavailable or do not agree on the potential impact of this missense change (SIFT: "Deleterious"; PolyPhen-2: "Not Available"; Align-GVGD: "Class C0"). ClinVar contains an entry for this variant (Variation ID: 1417212). This variant has not been reported in the literature in individuals affected with CHRNB1-related conditions. This sequence change replaces leucine, which is neutral and non-polar, with proline, which is neutral and non-polar, at codon 9 of the CHRNB1 protein (p.Leu9Pro). This variant is present in population databases (no rsID available, gnomAD no frequency).

Athena Diagnostics
Classification: Uncertain significance. Last evaluated: 2021-11-15. Review status: criteria provided, single submitter. Criteria: Athena Diagnostics Criteria. Collection method: clinical testing. Allele origin: unknown.
Comment: This observation is not an independent occurrence and has been identified in the same individual by RCIGM, the other laboratory participating in the GEMINI study.